The following is an entry in ClinVar:

ClinVar aggregate classification (germline): Uncertain significance (1 of 4 stars; one submission).

Conditions:
Mucolipidosis type II. Also called: Mucolipidosis 2; ML 2; Inclusion cell disease; Leroy Disease; N-acetylglucosamine 1phosphotransferase deficiency; ML disorder type 2. Identifiers: Orphanet 576, MedGen C2673377, MONDO:0009650, OMIM 252500.
Pseudo-Hurler polydystrophy. Also called: ML IIIA; Mucolipidosis III Alpha/Beta; MUCOLIPIDOSIS IIIA; ML III; ML III ALPHA/BETA; Type III Mucolipidosis. Identifiers: Orphanet 423461, Orphanet 577, MedGen C0033788, MONDO:0018931, OMIM 252600.

Submission:

Labcorp Genetics (formerly Invitae), Labcorp
Classification: Uncertain significance for Pseudo-Hurler polydystrophy; Mucolipidosis type II. Last evaluated: 2020-09-15. Review status: criteria provided, single submitter. Criteria: Invitae Variant Classification Sherloc (09022015). Collection method: clinical testing. Allele origin: germline.
Comment: In summary, the available evidence is currently insufficient to determine the role of this variant in disease. Therefore, it has been classified as a Variant of Uncertain Significance. Algorithms developed to predict the effect of missense changes on protein structure and function output the following: SIFT: "Tolerated"; PolyPhen-2: "Benign"; Align-GVGD: "Class C0". The alanine amino acid residue is found in multiple mammalian species, suggesting that this missense change does not adversely affect protein function. These predictions have not been confirmed by published functional studies and their clinical significance is uncertain. This variant has not been reported in the literature in individuals with GNPTAB-related conditions. This variant is not present in population databases (ExAC no frequency). This sequence change replaces valine with alanine at codon 218 of the GNPTAB protein (p.Val218Ala). The valine residue is moderately conserved and there is a small physicochemical difference between valine and alanine.

NM_024312.5(GNPTAB):c.653T>C (p.Val218Ala)

Gene: GNPTAB (N-acetylglucosamine-1-phosphate transferase subunits alpha and beta; minus strand). Cytogenetic location: 12q23.2.
Variant type: single nucleotide variant.
Coding change: c.653T>C on transcript NM_024312.5 (MANE Select); coding-DNA position 653, T replaced by C.
Protein change: p.Val218Ala; replaces valine 218 with alanine.
Molecular consequence: missense variant.
Genome position (GRCh38, 1-based): chr12:101,780,270, A>G on the plus strand (T>C on the coding strand, the complement: GNPTAB is on the minus strand). VCF-style: chr12-101780270-A-G. GRCh37 (hg19) VCF-style: chr12-102174048-A-G.
Other names: short protein forms V218A.
Identifiers: ClinVar variation 1002585 (VCV001002585.7), dbSNP rs1953322163, ClinGen allele CA386304567.
Genomic context (GRCh38, chr12:101,780,270, plus strand): 5'-TTGAATGTTGGTGGAAATCCACTCAGGAAAGCCAAATCTTGCATTAGCACTAATCCAGGG[A>G]CTTCTTTATCTGTTGTCTAAAATAAGGGGAAAAACATAACTCATTTTCCACATCATGAGG-3'
Protein context (NP_077288.2, residues 208-228): WRGYLTTDKE[Val218Ala]PGLVLMQDLA